The following is an entry in ClinVar:

NM_013275.6(ANKRD11):c.2373G>A (p.Lys791=)

Gene: ANKRD11 (ankyrin repeat domain 11; minus strand). Cytogenetic location: 16q24.3.
Variant type: single nucleotide variant.
Coding change: c.2373G>A on transcript NM_013275.6 (MANE Select); coding-DNA position 2373, G replaced by A.
Protein change: p.Lys791=; no amino-acid change (lysine 791 retained).
Molecular consequence: synonymous variant.
Genome position (GRCh38, 1-based): chr16:89,284,169, C>T on the plus strand (G>A on the coding strand, the complement: ANKRD11 is on the minus strand). VCF-style: chr16-89284169-C-T. GRCh37 (hg19) VCF-style: chr16-89350577-C-T.
Other names: c.2373G>A, p.Lys791= (NM_001256182.2, NM_001256183.2).
Identifiers: ClinVar variation 434196 (VCV000434196.48), dbSNP rs138267414, ClinGen allele CA8242590.

ClinVar aggregate classification (germline): Likely benign. Review status: criteria provided, multiple submitters, no conflicts (2 of 4 stars). 8 submissions from 8 submitters: Likely benign (6). 2 of the submissions do not count toward it. Last evaluated 2025-11-19.

Conditions:
Inborn genetic diseases. Identifiers: MedGen C0950123, MeSH D030342.
KBG syndrome (KBGS). Also called: ANKRD11-Related KBG Syndrome. Identifiers: Orphanet 2332, MedGen C0220687, MONDO:0007846, OMIM 148050.

Allele frequency attached by ClinVar (database versions not stated): TOPMed 0.00015; 1000 Genomes Project 0.00020; gnomAD exomes 0.00021 and 0.00038; ExAC 0.00022; ESP Exome Variant Server 0.00023; gnomAD 0.00024; 1000 Genomes Project 30x 0.00031.
gnomAD v4.1: 591 of 1,605,094 alleles (0.037%); highest among the groups gnomAD compares: Non-Finnish European, 0.048%; no homozygotes.

Submissions (8):

Labcorp Genetics (formerly Invitae), Labcorp
Classification: Likely benign for KBG syndrome. Last evaluated: 2025-11-19. Review status: criteria provided, single submitter. Criteria: Invitae Variant Classification Sherloc (09022015). Collection method: clinical testing. Allele origin: germline.

Blueprint Genetics
Classification: Likely benign. Last evaluated: 2024-09-03. Review status: criteria provided, single submitter. Criteria: ACMG Guidelines, 2015. Collection method: clinical testing. Allele origin: germline.

CeGaT Center for Human Genetics Tuebingen
Classification: Likely benign. Last evaluated: 2024-08-01. Review status: criteria provided, single submitter. Criteria: CeGaT Center For Human Genetics Tuebingen Variant Classification Criteria Version 2. Collection method: clinical testing. Allele origin: germline. Affected: yes. Observed: 2 variant alleles.
Comment: ANKRD11: BP4, BS1:Supporting

GeneDx
Classification: Likely benign. Last evaluated: 2020-09-29. Review status: criteria provided, single submitter. Criteria: GeneDx Variant Classification Process June 2021. Collection method: clinical testing. Allele origin: germline. Affected: yes.

Genetic Services Laboratory, University of Chicago
Classification: Likely benign. Last evaluated: 2017-02-02. Review status: criteria provided, single submitter. Criteria: ACMG Guidelines, 2015. Collection method: clinical testing. Allele origin: germline. Affected: no.

Ambry Genetics
Classification: Likely benign for Inborn genetic diseases. Last evaluated: 2016-06-24. Review status: criteria provided, single submitter. Criteria: Ambry Variant Classification Scheme 2023. Collection method: clinical testing. Allele origin: germline.

Clinical Genetics DNA and cytogenetics Diagnostics Lab, Erasmus MC, Erasmus Medical Center
Classification: Likely benign. Review status: no assertion criteria provided. Collection method: clinical testing. Allele origin: germline. Affected: yes. Study: VKGL Data-share Consensus. Not counted in ClinVar's aggregate classification.

Genome Diagnostics Laboratory, University Medical Center Utrecht
Classification: Likely benign. Review status: no assertion criteria provided. Collection method: clinical testing. Allele origin: germline. Affected: yes. Study: VKGL Data-share Consensus. Not counted in ClinVar's aggregate classification.